The following is an entry in ClinVar:

ClinVar aggregate classification (germline): Uncertain significance (1 of 4 stars; one submission).

Submission:

Ambry Genetics
Classification: Uncertain significance. Last evaluated: 2025-03-10. Review status: criteria provided, single submitter. Criteria: Ambry Variant Classification Scheme 2023. Collection method: clinical testing. Allele origin: germline.
Comment: The p.A383V variant (also known as c.1148C>T), located in coding exon 6 of the GALNT12 gene, results from a C to T substitution at nucleotide position 1148. The alanine at codon 383 is replaced by valine, an amino acid with similar properties. This amino acid position is conserved. In addition, the in silico prediction for this alteration is inconclusive. Based on the available evidence, the clinical significance of this variant remains unclear.

NM_024642.5(GALNT12):c.1148C>T (p.Ala383Val)

Gene: GALNT12 (polypeptide N-acetylgalactosaminyltransferase 12; plus strand). Cytogenetic location: 9q22.33.
Variant type: single nucleotide variant.
Coding change: c.1148C>T on transcript NM_024642.5 (MANE Select); coding-DNA position 1148, C replaced by T.
Protein change: p.Ala383Val; replaces alanine 383 with valine.
Molecular consequence: missense variant.
Genome position (GRCh38, 1-based): chr9:98,837,084, C>T. VCF-style: chr9-98837084-C-T. GRCh37 (hg19) VCF-style: chr9-101599366-C-T.
Other names: short protein forms A383V.
Identifiers: ClinVar variation 3852683 (VCV003852683.1).